The following is an entry in ClinVar:

NM_001365088.1(SLC12A6):c.1786C>T (p.Gln596Ter)

Gene: SLC12A6 (solute carrier family 12 member 6; minus strand). Cytogenetic location: 15q14.
Variant type: single nucleotide variant.
Coding change: c.1786C>T on transcript NM_001365088.1 (MANE Select); coding-DNA position 1786, C replaced by T.
Protein change: p.Gln596Ter; replaces glutamine 596 with a stop codon.
Molecular consequence: nonsense.
Genome position (GRCh38, 1-based): chr15:34,245,731, G>A on the plus strand (C>T on the coding strand, the complement: SLC12A6 is on the minus strand). VCF-style: chr15-34245731-G-A. GRCh37 (hg19) VCF-style: chr15-34537932-G-A.
Other names: c.1633C>T, p.Gln545Ter (NM_005135.2); c.1786C>T, p.Gln596Ter (NM_133647.2); c.1609C>T, p.Gln537Ter (NM_001042494.2, NM_001042495.2); c.1759C>T, p.Gln587Ter (NM_001042496.2); c.1741C>T, p.Gln581Ter (NM_001042497.2); short protein forms Q581*, Q587*, Q596*, Q537*, Q545*.
Identifiers: ClinVar variation 2759948 (VCV002759948.4), dbSNP rs934613592, ClinGen allele CA268666431.
Genomic context (GRCh38, chr15:34,245,731, plus strand): 5'-GGCATAATAAAAGGTCACTCACCCTCAGAAACGGTATGATGTTATCCTTGGCAATAGCTT[G>A]TAGCAGCCTCGGTGCACCTGTGAGGCTCTGAAGTCCAGCCCCACATGTTGAAAAGAAGGA-3'

ClinVar aggregate classification (germline): Pathogenic/Likely pathogenic. Review status: criteria provided, multiple submitters, no conflicts (2 of 4 stars). 2 submissions from 2 submitters: Pathogenic (1); Likely pathogenic (1). Last evaluated 2024-07-12.

Conditions:
Agenesis of the corpus callosum with peripheral neuropathy (ACCPN). Also called: POLYNEUROPATHY, SENSORIMOTOR, WITH OR WITHOUT AGENESIS OF THE CORPUS CALLOSUM; HMSN/ACC; CHARLEVOIX DISEASE; Hereditary Motor and Sensory Neuropathy with Agenesis of the Corpus Callosum. Identifiers: Orphanet 1496, MedGen C0795950, MONDO:0000902, OMIM 218000. Disease mechanism: loss of function.

Allele frequency attached by ClinVar (database versions not stated): TOPMed below 0.00001; gnomAD 0.00001.
gnomAD v4.1: 1 of 1,613,804 alleles (0.000062%); highest among the groups gnomAD compares: Non-Finnish European, 0.000085%; no homozygotes.

Submissions (2):

Natera, Inc.
Classification: Likely pathogenic for Andermann syndrome. Last evaluated: 2024-07-12. Review status: criteria provided, single submitter. Criteria: Natera Variant Classification Schema (03/2026). Collection method: clinical testing. Allele origin: germline.
Comment: The c.1786C>T variant in SLC12A6 is a nonsense variant predicted to introduce a stop codon at amino acid 596. This variant is expected to result in nonsense mediated decay, truncation, or a dysfunctional protein product. This variant is rare in the general population with a frequency below the threshold expected for the associated phenotype(s). Given the available evidence, this variant is classified as Likely Pathogenic.

Labcorp Genetics (formerly Invitae), Labcorp
Classification: Pathogenic. Last evaluated: 2023-09-10. Review status: criteria provided, single submitter. Criteria: Invitae Variant Classification Sherloc (09022015). Collection method: clinical testing. Allele origin: germline.
Comment: For these reasons, this variant has been classified as Pathogenic. This variant has not been reported in the literature in individuals affected with SLC12A6-related conditions. The frequency data for this variant in the population databases is considered unreliable, as metrics indicate poor data quality at this position in the gnomAD database. This sequence change creates a premature translational stop signal (p.Gln596*) in the SLC12A6 gene. It is expected to result in an absent or disrupted protein product. Loss-of-function variants in SLC12A6 are known to be pathogenic (PMID: 12368912, 16606917).

Literature cited by the submitters: PubMed 12368912 (cited by Labcorp Genetics (formerly Invitae), Labcorp); PubMed 16606917 (cited by Labcorp Genetics (formerly Invitae), Labcorp).